The following is an entry in ClinVar:

NM_001164508.2(NEB):c.822+13A>G

Gene: NEB (nebulin; minus strand). Cytogenetic location: 2q23.3.
Variant type: single nucleotide variant.
Coding change: c.822+13A>G on transcript NM_001164508.2 (MANE Select); 13 bases into the intron after coding-DNA position 822, A replaced by G.
Molecular consequence: intron variant.
Genome position (GRCh38, 1-based): chr2:151,717,403, T>C on the plus strand (A>G on the coding strand, the complement: NEB is on the minus strand). VCF-style: chr2-151717403-T-C. GRCh37 (hg19) VCF-style: chr2-152573917-T-C.
Other names: c.822+13A>G (NM_004543.5, NM_001164507.2, NM_001271208.2).
Identifiers: ClinVar variation 389929 (VCV000389929.4), dbSNP rs1057523586, ClinGen allele CA16603801.

ClinVar aggregate classification (germline): Likely benign. Review status: criteria provided, multiple submitters, no conflicts (2 of 4 stars). 2 submissions from 2 submitters: Likely benign (2). Last evaluated 2026-01-08.

Conditions:
Nemaline myopathy 2 (NEM2). Also called: Nemaline myopathy 2, autosomal recessive. Identifiers: MedGen C1850569, MONDO:0009725, OMIM 256030.

Allele frequency attached by ClinVar (database versions not stated): gnomAD exomes below 0.00001; TOPMed below 0.00001.
gnomAD v4.1: 3 of 1,574,974 alleles (0.00019%); highest among the groups gnomAD compares: Middle Eastern, 0.017%; no homozygotes.

Submissions (2):

Labcorp Genetics (formerly Invitae), Labcorp
Classification: Likely benign for Nemaline myopathy 2. Last evaluated: 2026-01-08. Review status: criteria provided, single submitter. Criteria: Invitae Variant Classification Sherloc (09022015). Collection method: clinical testing. Allele origin: germline.

GeneDx
Classification: Likely benign. Last evaluated: 2016-10-27. Review status: criteria provided, single submitter. Criteria: GeneDx Variant Classification (06012015). Collection method: clinical testing. Allele origin: germline. Affected: yes.
Comment: This variant is considered likely benign or benign based on one or more of the following criteria: it is a conservative change, it occurs at a poorly conserved position in the protein, it is predicted to be benign by multiple in silico algorithms, and/or has population frequency not consistent with disease.